The following is an entry in ClinVar:

NM_015559.3(SETBP1):c.1624A>C (p.Met542Leu)

Gene: SETBP1 (SET binding protein 1; plus strand). Cytogenetic location: 18q12.3.
Variant type: single nucleotide variant.
Coding change: c.1624A>C on transcript NM_015559.3 (MANE Select); coding-DNA position 1624, A replaced by C.
Protein change: p.Met542Leu; replaces methionine 542 with leucine.
Molecular consequence: missense variant.
Genome position (GRCh38, 1-based): chr18:44,950,964, A>C. VCF-style: chr18-44950964-A-C. GRCh37 (hg19) VCF-style: chr18-42530929-A-C.
Other names: c.1624A>C, p.Met542Leu (NM_001379141.1, NM_001379142.1, NM_001410862.1); short protein forms M542L.
Identifiers: ClinVar variation 3720034 (VCV003720034.2).

ClinVar aggregate classification (germline): Uncertain significance (1 of 4 stars; one submission).

Submission:

Labcorp Genetics (formerly Invitae), Labcorp
Classification: Uncertain significance. Last evaluated: 2024-09-27. Review status: criteria provided, single submitter. Criteria: Invitae Variant Classification Sherloc (09022015). Collection method: clinical testing. Allele origin: germline.
Comment: This sequence change replaces methionine, which is neutral and non-polar, with leucine, which is neutral and non-polar, at codon 542 of the SETBP1 protein (p.Met542Leu). This variant is not present in population databases (gnomAD no frequency). This variant has not been reported in the literature in individuals affected with SETBP1-related conditions. Invitae Evidence Modeling of protein sequence and biophysical properties (such as structural, functional, and spatial information, amino acid conservation, physicochemical variation, residue mobility, and thermodynamic stability) indicates that this missense variant is not expected to disrupt SETBP1 protein function with a negative predictive value of 80%. In summary, the available evidence is currently insufficient to determine the role of this variant in disease. Therefore, it has been classified as a Variant of Uncertain Significance.